The following is an entry in ClinVar:

NM_000532.5(PCCB):c.1316A>G (p.Tyr439Cys)

Gene: PCCB (propionyl-CoA carboxylase subunit beta; plus strand). Cytogenetic location: 3q22.3.
Variant type: single nucleotide variant.
Coding change: c.1316A>G on transcript NM_000532.5 (MANE Select); coding-DNA position 1316, A replaced by G.
Protein change: p.Tyr439Cys; replaces tyrosine 439 with cysteine.
Molecular consequence: missense variant.
Genome position (GRCh38, 1-based): chr3:136,327,650, A>G. VCF-style: chr3-136327650-A-G. GRCh37 (hg19) VCF-style: chr3-136046492-A-G.
Other names: c.1376A>G, p.Tyr459Cys (NM_001178014.2); short protein forms Y439C, Y459C.
Identifiers: ClinVar variation 225429 (VCV000225429.13), dbSNP rs769521436, ClinGen allele CA2632149.
Genomic context (GRCh38, chr3:136,327,650, plus strand): 5'-TGGCTGTCTCAGGCTCTAACACTCAGCATTTGGATCTGTTTTAGGCCTATGGAGGTGCCT[A>G]TGATGTCATGAGCTCTAAGCACCTTTGTGGTGATACCAACTATGCCTGGCCCACCGCAGA-3'
Protein context (NP_000523.2, residues 429-449): VITRKAYGGA[Tyr439Cys]DVMSSKHLCG

ClinVar aggregate classification (germline): Pathogenic/Likely pathogenic. Review status: criteria provided, multiple submitters, no conflicts (2 of 4 stars). 7 submissions from 7 submitters: Pathogenic (5); Likely pathogenic (1). 1 of the submissions does not count toward it. Last evaluated 2025-03-12.

Conditions:
Propionic acidemia (PROP). Also called: KETOTIC HYPERGLYCINEMIA; GLYCINEMIA, KETOTIC; HYPERGLYCINEMIA WITH KETOACIDOSIS AND LEUKOPENIA. Identifiers: Orphanet 35, MedGen C0268579, MONDO:0011628, OMIM 606054, HP:0003571.

Allele frequency attached by ClinVar (database versions not stated): TOPMed below 0.00001; gnomAD 0.00001; ExAC 0.00002; gnomAD exomes 0.00002 and 0.00003.
gnomAD v4.1: 37 of 1,613,538 alleles (0.0023%); highest among the groups gnomAD compares: East Asian, 0.011%; no homozygotes.

Submissions (7):

Natera, Inc.
Classification: Pathogenic for Propionic acidemia. Last evaluated: 2025-03-12. Review status: criteria provided, single submitter. Criteria: Natera Variant Classification Schema (03/2026). Collection method: clinical testing. Allele origin: germline.
Comment: The c.1316A>G variant in PCCB is a missense variant predicted to cause substitution of tyrosine to cysteine at amino acid 439. This variant is rare in the general population with a frequency below the threshold expected for the associated phenotype(s). This variant has been observed in one or more individuals affected with the associated recessive disease, as either homozygous or compound heterozygous with a second variant (PMID: 35331292, 12189489, 31808324). Given the available evidence, this variant is classified as Pathogenic.

Baylor Genetics
Classification: Pathogenic for Propionic acidemia. Last evaluated: 2024-03-06. Review status: criteria provided, single submitter. Criteria: ACMG Guidelines, 2015. Collection method: clinical testing. Allele origin: unknown.

Labcorp Genetics (formerly Invitae), Labcorp
Classification: Pathogenic for Propionic acidemia. Last evaluated: 2024-01-24. Review status: criteria provided, single submitter. Criteria: Invitae Variant Classification Sherloc (09022015). Collection method: clinical testing. Allele origin: germline.
Comment: This sequence change replaces tyrosine, which is neutral and polar, with cysteine, which is neutral and slightly polar, at codon 439 of the PCCB protein (p.Tyr439Cys). This variant is present in population databases (rs769521436, gnomAD 0.02%). This missense change has been observed in individual(s) with PCCB-related conditions (PMID: 12189489, 12409268, 31808324). ClinVar contains an entry for this variant (Variation ID: 225429). Advanced modeling of protein sequence and biophysical properties (such as structural, functional, and spatial information, amino acid conservation, physicochemical variation, residue mobility, and thermodynamic stability) performed at Invitae indicates that this missense variant is expected to disrupt PCCB protein function with a positive predictive value of 95%. For these reasons, this variant has been classified as Pathogenic.

3billion
Classification: Pathogenic for Propionic acidemia. Last evaluated: 2023-10-31. Review status: criteria provided, single submitter. Criteria: ACMG Guidelines, 2015. Collection method: clinical testing. Allele origin: germline. Affected: yes.
Comment: The variant is observed at an extremely low frequency in the gnomAD v2.1.1 dataset (total allele frequency: 0.002%). Predicted Consequence/Location: Missense variant In silico tool predictions suggest damaging effect of the variant on gene or gene product [REVEL: 0.98 (>=0.6, sensitivity 0.68 and specificity 0.92); 3Cnet: 0.80 (>=0.6, sensitivity 0.72 and precision 0.9)]. Same nucleotide change resulting in same amino acid change has been previously reported as pathogenic/likely pathogenic with strong evidence (ClinVar ID: VCV000225429 /PMID: 12189489).The variant has been reported to be in trans with a pathogenic variant as either compound heterozygous or homozygous in at least 2 similarly affected unrelated individuals (PMID: 12189489, 12409268). Therefore, this variant is classified as Pathogenic according to the recommendation of ACMG/AMP guideline.

Women's Health and Genetics/Laboratory Corporation of America, LabCorp
Classification: Pathogenic for Propionyl-CoA carboxylase deficiency. Last evaluated: 2018-06-07. Review status: criteria provided, single submitter. Criteria: LabCorp Variant Classification Summary - May 2015. Collection method: clinical testing. Allele origin: germline.
Comment: Variant summary: PCCB c.1316A>G (p.Tyr439Cys) results in a non-conservative amino acid change located in the Acetyl-coenzyme A carboxyltransferase, C-terminal domain (IPR011763) of the encoded protein sequence. Five of five in-silico tools predict a damaging effect of the variant on protein function. The variant allele was found at a frequency of 2e-05 in 246228 control chromosomes, mostly occuring in the East Asian subpopulation. c.1316A>G has been reported in the literature in individuals affected with Propionic Acidemia; all of these cases were found in East Asian populations (Kim 2002, Yorifuji 2002, Chiu 2014). These data indicate that the variant is likely to be associated with disease. These publications also reported a significantly decreased enzyme activity in the affected individuals, with the most pronounced variant effect resulting in <10% of normal activity. A recent population study demonstrated a founder effect for the variant in the Korean population based on haplotype analysis (Park 2016). One clinical diagnostic laboratory has submitted clinical-significance assessments for this variant to ClinVar after 2014 without evidence for independent evaluation, and classified the variant as likely pathogenic. Based on the evidence outlined above, the variant was classified as pathogenic.

Soonchunhyang University Bucheon Hospital, Soonchunhyang University Medical Center
Classification: Likely pathogenic for Propionic acidemia. Last evaluated: 2016-03-18. Review status: criteria provided, single submitter. Criteria: ACMG Guidelines, 2015. Collection method: reference population. Allele origin: germline. Observed: 1 variant allele.

Counsyl
Classification: Likely pathogenic for Propionic acidemia. Last evaluated: 2017-07-20. Review status: no assertion criteria provided. Collection method: clinical testing. Allele origin: unknown. Not counted in ClinVar's aggregate classification.

Literature cited by the submitters: PubMed 35331292 (cited by Natera, Inc.); PubMed 12189489 (cited by 5 submitters); PubMed 31808324 (cited by Natera, Inc. and Labcorp Genetics (formerly Invitae), Labcorp); PubMed 12409268 (cited by 5 submitters); PubMed 27578510 (cited by Women's Health and Genetics/Laboratory Corporation of America, LabCorp); PubMed 24863100 (cited by Women's Health and Genetics/Laboratory Corporation of America, LabCorp and Counsyl); PubMed 15464417 (cited by Women's Health and Genetics/Laboratory Corporation of America, LabCorp).